The following is an entry in ClinVar:

ClinVar aggregate classification (germline): Uncertain significance. Review status: criteria provided, multiple submitters, no conflicts (2 of 4 stars). 4 submissions from 4 submitters: Uncertain significance (4). Last evaluated 2025-10-07.

Conditions:
Cockayne spectrum with or without cerebrooculofacioskeletal syndrome. Identifiers: MedGen CN315928, MONDO:0100506.
Inborn genetic diseases. Identifiers: MedGen C0950123, MeSH D030342.

gnomAD v4.1: 5 of 1,613,934 alleles (0.00031%); highest among the groups gnomAD compares: African/African-American, 0.0053%; no homozygotes.

Submissions (4):

Myriad Genetics, Inc.
Classification: Uncertain significance for Cockayne spectrum with or without cerebrooculofacioskeletal syndrome. Last evaluated: 2025-10-07. Review status: criteria provided, single submitter. Criteria: Myriad Autosomal Dominant, Autosomal Recessive and X-Linked Classification Criteria (2023). Collection method: clinical testing. Allele origin: unknown.
Comment: NM_000124.2(ERCC6):c.1763G>T(W588L) is a missense variant classified as a variant of uncertain significance in the context of ERCC6-related disorders. W588L has not been observed in cases with relevant disease. Relevant functional assessments of this variant are not available in the literature. W588L has been observed in referenced population frequency databases. In summary, there is insufficient evidence to classify NM_000124.2(ERCC6):c.1763G>T(W588L) as pathogenic or benign. Please note: this variant was assessed in the context of healthy population screening.

Ambry Genetics
Classification: Uncertain significance for Inborn genetic diseases. Last evaluated: 2025-08-24. Review status: criteria provided, single submitter. Criteria: Ambry Variant Classification Scheme 2023. Collection method: clinical testing. Allele origin: germline.

Labcorp Genetics (formerly Invitae), Labcorp
Classification: Uncertain significance. Last evaluated: 2022-07-04. Review status: criteria provided, single submitter. Criteria: Invitae Variant Classification Sherloc (09022015). Collection method: clinical testing. Allele origin: germline.
Comment: This sequence change replaces tryptophan, which is neutral and slightly polar, with leucine, which is neutral and non-polar, at codon 588 of the ERCC6 protein (p.Trp588Leu). This variant is present in population databases (rs373522295, gnomAD 0.008%). This variant has not been reported in the literature in individuals affected with ERCC6-related conditions. ClinVar contains an entry for this variant (Variation ID: 1309377). Algorithms developed to predict the effect of missense changes on protein structure and function (SIFT, PolyPhen-2, Align-GVGD) all suggest that this variant is likely to be disruptive. In summary, the available evidence is currently insufficient to determine the role of this variant in disease. Therefore, it has been classified as a Variant of Uncertain Significance.

GeneDx
Classification: Uncertain significance. Last evaluated: 2019-10-22. Review status: criteria provided, single submitter. Criteria: GeneDx Variant Classification Process June 2021. Collection method: clinical testing. Allele origin: germline. Affected: yes.
Comment: In silico analysis, which includes protein predictors and evolutionary conservation, supports a deleterious effect; Has not been previously published as pathogenic or benign to our knowledge

NM_000124.4(ERCC6):c.1763G>T (p.Trp588Leu)

Gene: ERCC6 (ERCC excision repair 6, chromatin remodeling factor; minus strand). Cytogenetic location: 10q11.23.
Variant type: single nucleotide variant.
Coding change: c.1763G>T on transcript NM_000124.4 (MANE Select); coding-DNA position 1763, G replaced by T.
Protein change: p.Trp588Leu; replaces tryptophan 588 with leucine.
Molecular consequence: missense variant.
Genome position (GRCh38, 1-based): chr10:49,493,175, C>A on the plus strand (G>T on the coding strand, the complement: ERCC6 is on the minus strand). VCF-style: chr10-49493175-C-A. GRCh37 (hg19) VCF-style: chr10-50701221-C-A.
Other names: c.1763G>T, p.Trp588Leu (NM_001346440.2); short protein forms W588L.
Identifiers: ClinVar variation 1309377 (VCV001309377.5), dbSNP rs373522295, ClinGen allele CA5495875.